The following is an entry in ClinVar:

NM_005359.6(SMAD4):c.956-4A>G

Gene: SMAD4 (SMAD family member 4; plus strand). Cytogenetic location: 18q21.2.
Variant type: single nucleotide variant.
Coding change: c.956-4A>G on transcript NM_005359.6 (MANE Select); 4 bases into the intron before coding-DNA position 956, A replaced by G.
Molecular consequence: intron variant.
Genome position (GRCh38, 1-based): chr18:51,065,419, A>G. VCF-style: chr18-51065419-A-G. GRCh37 (hg19) VCF-style: chr18-48591789-A-G.
Identifiers: ClinVar variation 460574 (VCV000460574.66), dbSNP rs1295343500, ClinGen allele CA629926622.

ClinVar aggregate classification (germline): Conflicting classifications of pathogenicity. Review status: criteria provided, conflicting classifications (1 of 4 stars). 6 submissions from 6 submitters: Uncertain significance (1); Likely benign (5). Last evaluated 2025-12-16.

Conditions:
Hereditary cancer-predisposing syndrome. Also called: Neoplastic Syndromes, Hereditary; Hereditary Cancer Syndrome; Hereditary neoplastic syndrome; Tumor predisposition. Identifiers: Orphanet 140162, MedGen C0027672, MeSH D009386, MONDO:0015356.
Familial thoracic aortic aneurysm and aortic dissection (TAAD). Also called: Thoracic aortic aneurysms and dissections. Identifiers: Orphanet 91387, MedGen C4707243, MONDO:0019625.
Juvenile polyposis syndrome (JPS). Identifiers: Orphanet 2929, MedGen C0345893, MONDO:0017380, OMIM 174900.
Juvenile polyposis/hereditary hemorrhagic telangiectasia syndrome (JPHT). Also called: POLYPOSIS, GENERALIZED JUVENILE, WITH PULMONARY ARTERIOVENOUS MALFORMATION; TELANGIECTASIA, HEREDITARY HEMORRHAGIC, WITH JUVENILE POLYPOSIS COLI; Juvenile Polyposis Syndrome / Hereditary Hemorrhagic Telangiectasia (JPS/HHT); JP/HHT SYNDROME; JUVENILE POLYPOSIS WITH HEREDITARY HEMORRHAGIC TELANGIECTASIA. Identifiers: Orphanet 2929, MedGen C1832942, MONDO:0008278, OMIM 175050.

Allele frequency attached by ClinVar (database versions not stated): gnomAD exomes below 0.00001 and 0.00001; gnomAD 0.00001.
gnomAD v4.1: 15 of 1,608,750 alleles (0.00093%); highest among the groups gnomAD compares: Non-Finnish European, 0.0013%; no homozygotes.

Submissions (6):

Labcorp Genetics (formerly Invitae), Labcorp
Classification: Likely benign for Juvenile polyposis syndrome. Last evaluated: 2025-12-16. Review status: criteria provided, single submitter. Criteria: Invitae Variant Classification Sherloc (09022015). Collection method: clinical testing. Allele origin: germline.

Women's Health and Genetics/Laboratory Corporation of America, LabCorp
Classification: Likely benign. Last evaluated: 2025-04-29. Review status: criteria provided, single submitter. Criteria: LabCorp Variant Classification Summary - May 2015. Collection method: clinical testing. Allele origin: germline.

Myriad Genetics, Inc.
Classification: Likely benign for Juvenile polyposis/hereditary hemorrhagic telangiectasia syndrome. Last evaluated: 2025-03-20. Review status: criteria provided, single submitter. Criteria: Myriad Autosomal Dominant, Autosomal Recessive and X-Linked Classification Criteria (2023). Collection method: clinical testing. Allele origin: unknown.
Comment: This variant is considered likely benign. This variant is intronic and is not expected to impact mRNA splicing.

Ambry Genetics
Classification: Likely benign for Hereditary cancer-predisposing syndrome; Familial thoracic aortic aneurysm and aortic dissection. Last evaluated: 2022-04-01. Review status: criteria provided, single submitter. Criteria: Ambry Variant Classification Scheme 2023. Collection method: clinical testing. Allele origin: germline.

ARUP Laboratories, Molecular Genetics and Genomics, ARUP Laboratories
Classification: Uncertain significance. Last evaluated: 2020-05-19. Review status: criteria provided, single submitter. Criteria: ARUP Molecular Germline Variant Investigation Process. Collection method: clinical testing. Allele origin: germline.
Comment: The SMAD4 c.956-4A>G variant (rs1295343500), to our knowledge, is not reported in the medical literature but is reported in ClinVar (Variation ID: 460574). This variant is only observed on one allele in the Genome Aggregation Database, indicating it is not a common polymorphism. This is an intronic variant in a weakly conserved nucleotide, and computational analyses (Alamut v.2.11) predict that this variant does not alter splicing. However, due to limited information, the clinical significance of this variant is uncertain at this time.

Color Diagnostics, LLC DBA Color Health
Classification: Likely benign for Hereditary cancer-predisposing syndrome. Last evaluated: 2016-10-05. Review status: criteria provided, single submitter. Criteria: ACMG Guidelines, 2015. Collection method: clinical testing. Allele origin: germline.